The following is an entry in ClinVar:

NC_000017.11:g.46084075_46502770dup

Genes: ARL17A (ARF like GTPase 17A; minus strand), ARL17B (ARF like GTPase 17B; minus strand), KANSL1 (KAT8 regulatory NSL complex subunit 1), KANSL1-AS1 (KANSL1 antisense RNA 1), LRRC37A (leucine rich repeat containing 37A) and 4 more. Cytogenetic location: 17q21.31.
Variant type: Duplication.
Identifiers: ClinVar variation 157385 (VCV000157385.3).

ClinVar aggregate classification (germline): not provided (0 of 4 stars; one submission).

Conditions:
Large for gestational age. Identifiers: MedGen C1848395, HP:0001520.

Submission:

Institute of Molecular and Cell Biology, University of Tartu
No classification provided. Condition: Large for gestational age. Review status: no classification provided. Collection method: case-control. Allele origin: unknown. Affected: yes. Study: Kasak2014.
Comment: The study aimed to determine the contribution of copy number variants in the genetic etiology of normal and complicated pregnancies. The samples represented (i) maternal blood DNA drawn from healthy pregnant women during 1st or 2nd trimester and (ii) maternal and paternal blood DNA drawn at term pregnancy cases representing normal and complicated gestations (severe preeclampsia, PE; gestational diabetes, GD; small-for-gestational age newborn, SGA; large-for-gestational age newborn, LGA). We performed CNV calling based on genome-wide genotyping dataset (Illumina HumanOmniExpress-24-v1 BeadChip) by applying three algorithms, QuantiSNP, GADA (Genome Alteration Detection Algorithm) and CNstream in parallel. The acquired CNV calls were merged with HD-CNV (Hotspot Detector for Copy Number Variants) program and only the CNVs predicted by at least two programs, were considered in subsequent analysis.

Literature cited by the submitters: PubMed 25666259.